The following is an entry in ClinVar:

ClinVar aggregate classification (germline): Uncertain significance (1 of 4 stars; one submission).

Conditions:
Schuurs-Hoeijmakers syndrome. Also called: PACS1-Related Neurodevelopmental Disorder. Identifiers: Orphanet 329224, MedGen C3554343, MONDO:0014006, OMIM 615009.

Submission:

Labcorp Genetics (formerly Invitae), Labcorp
Classification: Uncertain significance for Schuurs-Hoeijmakers syndrome. Last evaluated: 2022-09-27. Review status: criteria provided, single submitter. Criteria: Invitae Variant Classification Sherloc (09022015). Collection method: clinical testing. Allele origin: germline.
Comment: In summary, the available evidence is currently insufficient to determine the role of this variant in disease. Therefore, it has been classified as a Variant of Uncertain Significance. This sequence change replaces glutamine, which is neutral and polar, with lysine, which is basic and polar, at codon 551 of the PACS1 protein (p.Gln551Lys). This variant is not present in population databases (gnomAD no frequency). This variant has not been reported in the literature in individuals affected with PACS1-related conditions. Advanced modeling of protein sequence and biophysical properties (such as structural, functional, and spatial information, amino acid conservation, physicochemical variation, residue mobility, and thermodynamic stability) performed at Invitae indicates that this missense variant is expected to disrupt PACS1 protein function.

NM_018026.4(PACS1):c.1651C>A (p.Gln551Lys)

Gene: PACS1 (phosphofurin acidic cluster sorting protein 1; plus strand). Cytogenetic location: 11q13.2.
Variant type: single nucleotide variant.
Coding change: c.1651C>A on transcript NM_018026.4 (MANE Select); coding-DNA position 1651, C replaced by A.
Protein change: p.Gln551Lys; replaces glutamine 551 with lysine.
Molecular consequence: missense variant.
Genome position (GRCh38, 1-based): chr11:66,232,196, C>A. VCF-style: chr11-66232196-C-A. GRCh37 (hg19) VCF-style: chr11-65999667-C-A.
Other names: short protein forms Q551K.
Identifiers: ClinVar variation 2111608 (VCV002111608.4), dbSNP rs2495584707, ClinGen allele CA381369049.
Genomic context (GRCh38, chr11:66,232,196, plus strand): 5'-CTCCCTAACAAGAGACACTTTCTTTTGTTCCTGCAGATTCCAAGAAAGGTGGTGTATGAC[C>A]AGCTCAATCAGATCCTGGTGTCAGATGCAGCCCTCCCAGAAAATGTCATTCTGGTGAACA-3'
Protein context (NP_060496.2, residues 541-561): TQIPRKVVYD[Gln551Lys]LNQILVSDAA